The following is an entry in ClinVar:

NM_017999.5(RNF31):c.2129G>A (p.Arg710Gln)

Gene: RNF31 (ring finger protein 31; plus strand). Cytogenetic location: 14q12.
Variant type: single nucleotide variant.
Coding change: c.2129G>A on transcript NM_017999.5 (MANE Select); coding-DNA position 2129, G replaced by A.
Protein change: p.Arg710Gln; replaces arginine 710 with glutamine.
Molecular consequence: missense variant.
Genome position (GRCh38, 1-based): chr14:24,151,991, G>A. VCF-style: chr14-24151991-G-A. GRCh37 (hg19) VCF-style: chr14-24621200-G-A.
Other names: c.2129G>A (NM_017999.4); c.1676G>A, p.Arg559Gln (NM_001310332.2); short protein forms R559Q, R710Q.
Identifiers: ClinVar variation 3609966 (VCV003609966.3).

ClinVar aggregate classification (germline): Uncertain significance. Review status: criteria provided, multiple submitters, no conflicts (2 of 4 stars). 2 submissions from 2 submitters: Uncertain significance (2). Last evaluated 2025-11-06.

gnomAD v4.1: 34 of 1,613,368 alleles (0.0021%); highest among the groups gnomAD compares: South Asian, 0.023%; no homozygotes.

Submissions (2):

Labcorp Genetics (formerly Invitae), Labcorp
Classification: Uncertain significance. Last evaluated: 2025-11-06. Review status: criteria provided, single submitter. Criteria: Invitae Variant Classification Sherloc (09022015). Collection method: clinical testing. Allele origin: germline.
Comment: This sequence change replaces arginine, which is basic and polar, with glutamine, which is neutral and polar, at codon 710 of the RNF31 protein (p.Arg710Gln). This variant is present in population databases (rs756736553, gnomAD 0.03%). This variant has not been reported in the literature in individuals affected with RNF31-related conditions. ClinVar contains an entry for this variant (Variation ID: 3609966). An algorithm developed to predict the effect of missense changes on protein structure and function outputs the following: PolyPhen-2: "Benign". The glutamine amino acid residue is found in multiple mammalian species, which suggests that this missense change does not adversely affect protein function. In summary, the available evidence is currently insufficient to determine the role of this variant in disease. Therefore, it has been classified as a Variant of Uncertain Significance.

Ambry Genetics
Classification: Uncertain significance. Last evaluated: 2025-09-05. Review status: criteria provided, single submitter. Criteria: Ambry Variant Classification Scheme 2023. Collection method: clinical testing. Allele origin: germline.